The following is an entry in ClinVar:

NM_000051.4(ATM):c.7466C>T (p.Ser2489Phe)

Genes: ATM (ATM serine/threonine kinase; plus strand), C11orf65 (chromosome 11 open reading frame 65; minus strand). Cytogenetic location: 11q22.3.
Variant type: single nucleotide variant.
Coding change: c.7466C>T on transcript NM_000051.4 (MANE Select); coding-DNA position 7466, C replaced by T.
Protein change: p.Ser2489Phe; replaces serine 2489 with phenylalanine.
Molecular consequence: missense variant. On other transcripts: intron variant (2).
Genome position (GRCh38, 1-based): chr11:108,330,372, C>T. VCF-style: chr11-108330372-C-T. GRCh37 (hg19) VCF-style: chr11-108201099-C-T.
Other names: c.7466C>T, p.Ser2489Phe (NM_001351834.2); c.641-21301G>A (NM_001330368.2); c.*38+4848G>A (NM_001351110.2); short protein forms S2489F.
Identifiers: ClinVar variation 971415 (VCV000971415.12), dbSNP rs759728261, ClinGen allele CA6266110.
Genomic context (GRCh38, chr11:108,330,372, plus strand): 5'-ATTATATCAACTGCTTATTAAGTGGAGAAGAACATGATATGTGGGTATTCCGACTTTGTT[C>T]CCTCTGGCTTGAAAATTCTGGAGTTTCTGAAGTCAATGGCATGATGAAGGCAAGTGTTAC-3'
Protein context (NP_000042.3, residues 2479-2499): EHDMWVFRLC[Ser2489Phe]LWLENSGVSE

ClinVar aggregate classification (germline): Uncertain significance. Review status: criteria provided, multiple submitters, no conflicts (2 of 4 stars). 4 submissions from 4 submitters: Uncertain significance (4). Last evaluated 2025-12-28.

Conditions:
Hereditary cancer-predisposing syndrome. Also called: Tumor predisposition; Neoplastic Syndromes, Hereditary; Hereditary neoplastic syndrome; Hereditary Cancer Syndrome. Identifiers: Orphanet 140162, MedGen C0027672, MeSH D009386, MONDO:0015356.
Familial cancer of breast. Also called: Hereditary breast cancer; hereditary breast carcinoma; BREAST CANCER, FAMILIAL. Identifiers: Orphanet 227535, MedGen C0346153, MONDO:0016419, OMIM 114480. Disease mechanism: loss of function.
Ataxia-telangiectasia syndrome (AT). Also called: Ataxia-telangiectasia, complementation group D; AT, COMPLEMENTATION GROUP C; ATAXIA-TELANGIECTASIA, COMPLEMENTATION GROUP A; ATAXIA-TELANGIECTASIA, FRESNO VARIANT; Ataxia-telangiectasia; Ataxia telangiectasia (A-T). Identifiers: Orphanet 100, MedGen C0004135, MONDO:0008840, OMIM 208900.

Allele frequency attached by ClinVar (database versions not stated): gnomAD 0.00001; ExAC 0.00001; gnomAD exomes below 0.00001.
gnomAD v4.1: 3 of 1,613,982 alleles (0.00019%); highest among the groups gnomAD compares: Non-Finnish European, 0.00017%; no homozygotes.

Submissions (4):

Labcorp Genetics (formerly Invitae), Labcorp
Classification: Uncertain significance for Ataxia-telangiectasia syndrome. Last evaluated: 2025-12-28. Review status: criteria provided, single submitter. Criteria: Invitae Variant Classification Sherloc (09022015). Collection method: clinical testing. Allele origin: germline.
Comment: This sequence change replaces serine, which is neutral and polar, with phenylalanine, which is neutral and non-polar, at codon 2489 of the ATM protein (p.Ser2489Phe). This variant is present in population databases (rs759728261, gnomAD no frequency). This variant has not been reported in the literature in individuals affected with ATM-related conditions. ClinVar contains an entry for this variant (Variation ID: 971415). Invitae Evidence Modeling of protein sequence and biophysical properties (such as structural, functional, and spatial information, amino acid conservation, physicochemical variation, residue mobility, and thermodynamic stability) indicates that this missense variant is expected to disrupt ATM protein function with a positive predictive value of 95%. In summary, the available evidence is currently insufficient to determine the role of this variant in disease. Therefore, it has been classified as a Variant of Uncertain Significance.

Ambry Genetics
Classification: Uncertain significance for Hereditary cancer-predisposing syndrome. Last evaluated: 2025-01-03. Review status: criteria provided, single submitter. Criteria: Ambry Variant Classification Scheme 2023. Collection method: clinical testing. Allele origin: germline.
Comment: The p.S2489F variant (also known as c.7466C>T), located in coding exon 49 of the ATM gene, results from a C to T substitution at nucleotide position 7466. The serine at codon 2489 is replaced by phenylalanine, an amino acid with highly dissimilar properties. This amino acid position is highly conserved in available vertebrate species. In addition, this alteration is predicted to be deleterious by in silico analysis. Since supporting evidence is limited at this time, the clinical significance of this alteration remains unclear.

Fulgent Genetics
Classification: Uncertain significance for Familial cancer of breast; Ataxia-telangiectasia syndrome. Last evaluated: 2024-01-18. Review status: criteria provided, single submitter. Criteria: ACMG Guidelines, 2015. Collection method: clinical testing. Allele origin: germline.

GeneDx
Classification: Uncertain significance. Last evaluated: 2023-11-06. Review status: criteria provided, single submitter. Criteria: GeneDx Variant Classification Process June 2021. Collection method: clinical testing. Allele origin: germline. Affected: yes.
Comment: Not observed at significant frequency in large population cohorts (gnomAD); In silico analysis supports that this missense variant has a deleterious effect on protein structure/function; Has not been previously published as pathogenic or benign to our knowledge; This variant is associated with the following publications: (PMID: 23532176)